The following is an entry in ClinVar:

ClinVar aggregate classification (germline): Pathogenic (1 of 4 stars; one submission).

Conditions:
Ellis-van Creveld syndrome (EVC). Also called: MESOECTODERMAL DYSPLASIA; Chondroectodermal dysplasia. Identifiers: Orphanet 289, MedGen C0013903, MONDO:0009162, OMIM 225500.

Submission:

Myriad Genetics, Inc.
Classification: Pathogenic for Ellis-van Creveld syndrome. Last evaluated: 2023-08-10. Review status: criteria provided, single submitter. Criteria: Myriad Autosomal Dominant, Autosomal Recessive and X-Linked Classification Criteria (2023). Collection method: clinical testing. Allele origin: unknown.
Comment: NM_153717.2(EVC):c.10_11ins16(G4Dfs*74) is expected to be pathogenic in the context of EVC-related Ellis-van Creveld syndrome. This variant is predicted to lead to an abnormal or absent protein product due to the creation of a premature termination codon in EVC, a gene where loss-of-function variants are known to be pathogenic. Please note: this variant was assessed in the context of healthy population screening.

NM_153717.3(EVC):c.10_11insATGTGTATAAGAGACA (p.Gly4fs)

Genes: EVC (EvC ciliary complex subunit 1; plus strand), LOC129992144 (ATAC-STARR-seq lymphoblastoid silent region 15223; plus strand). Cytogenetic location: 4p16.2.
Variant type: Insertion.
Coding change: c.10_11insATGTGTATAAGAGACA on transcript NM_153717.3 (MANE Select); coding-DNA positions 10 to 11, ATGTGTATAAGAGACA inserted.
Protein change: p.Gly4fs; shifts the reading frame from glycine 4.
Molecular consequence: frameshift variant.
Genome position: GRCh38 VCF-style: chr4-5711390-G-GATGTGTATAAGAGACA. GRCh37 (hg19) VCF-style: chr4-5713117-G-GATGTGTATAAGAGACA.
Other names: c.10_11insATGTGTATAAGAGACA, p.Gly4fs (NM_001306090.2, NM_001306092.2); short protein forms G4fs.
Identifiers: ClinVar variation 5011315 (VCV005011315.1).
Genomic context (GRCh38, chr4:5,711,390, plus strand): 5'-ACGGTGCAGCAGGCGGCGGGATGCGGCGGGGCGGCAGCCTGAGCGCCCCGGATGGCCCGC[G>GATGTGTATAAGAGACA]GCGGGGCGGCCTGCAAGAGCGACGCGCGGCTGCTGCTGGGGCGGGACGCGCTGCGGCCGG-3'